The following is an entry in ClinVar:

ClinVar aggregate classification (germline): Uncertain significance (1 of 4 stars; one submission).

gnomAD v4.1: 5 of 1,601,746 alleles (0.00031%); highest among the groups gnomAD compares: East Asian, 0.0022%; no homozygotes.

Submission:

Labcorp Genetics (formerly Invitae), Labcorp
Classification: Uncertain significance. Last evaluated: 2025-06-05. Review status: criteria provided, single submitter. Criteria: Invitae Variant Classification Sherloc (09022015). Collection method: clinical testing. Allele origin: germline.
Comment: This sequence change replaces isoleucine, which is neutral and non-polar, with valine, which is neutral and non-polar, at codon 1130 of the COL4A2 protein (p.Ile1130Val). This variant is not present in population databases (gnomAD no frequency). This variant has not been reported in the literature in individuals affected with COL4A2-related conditions. Invitae Evidence Modeling of protein sequence and biophysical properties (such as structural, functional, and spatial information, amino acid conservation, physicochemical variation, residue mobility, and thermodynamic stability) indicates that this missense variant is not expected to disrupt COL4A2 protein function with a negative predictive value of 95%. In summary, the available evidence is currently insufficient to determine the role of this variant in disease. Therefore, it has been classified as a Variant of Uncertain Significance.

NM_001846.4(COL4A2):c.3388A>G (p.Ile1130Val)

Gene: COL4A2 (collagen type IV alpha 2 chain; plus strand). Cytogenetic location: 13q34.
Variant type: single nucleotide variant.
Coding change: c.3388A>G on transcript NM_001846.4 (MANE Select); coding-DNA position 3388, A replaced by G.
Protein change: p.Ile1130Val; replaces isoleucine 1130 with valine.
Molecular consequence: missense variant.
Genome position (GRCh38, 1-based): chr13:110,491,274, A>G. VCF-style: chr13-110491274-A-G. GRCh37 (hg19) VCF-style: chr13-111143621-A-G.
Other names: short protein forms I1130V.
Identifiers: ClinVar variation 4760361 (VCV004760361.1).